The following is an entry in ClinVar:

NM_004408.4(DNM1):c.134G>A (p.Ser45Asn)

Genes: CIZ1 (CDKN1A interacting zinc finger protein 1; minus strand), DNM1 (dynamin 1; plus strand). Cytogenetic location: 9q34.11.
Variant type: single nucleotide variant.
Coding change: c.134G>A on transcript NM_004408.4 (MANE Select); coding-DNA position 134, G replaced by A.
Protein change: p.Ser45Asn; replaces serine 45 with asparagine.
Molecular consequence: missense variant. On other transcripts: intron variant (2).
Genome position (GRCh38, 1-based): chr9:128,203,604, G>A. VCF-style: chr9-128203604-G-A. GRCh37 (hg19) VCF-style: chr9-130965883-G-A.
Other names: c.134G>A, p.Ser45Asn (NM_001005336.3, NM_001288737.2, NM_001288738.2 and 2 more transcripts); c.-6+582C>T (NM_001131015.2, NM_012127.3); short protein forms S45N.
Identifiers: ClinVar variation 520840 (VCV000520840.14), dbSNP rs1554767317, ClinGen allele CA375006792.

ClinVar aggregate classification (germline): Pathogenic/Likely pathogenic. Review status: criteria provided, multiple submitters, no conflicts (2 of 4 stars). 3 submissions from 3 submitters: Pathogenic (2); Likely pathogenic (1). Last evaluated 2025-07-03.

Conditions:
Developmental and epileptic encephalopathy, 31A. Also called: Epileptic encephalopathy, early infantile, 31; Developmental and epileptic encephalopathy, 31. Identifiers: Orphanet 2382, MedGen C4225357, MONDO:0014598, OMIM 616346.
Inborn genetic diseases. Identifiers: MedGen C0950123, MeSH D030342.

Submissions (3):

GeneDx
Classification: Pathogenic. Last evaluated: 2025-07-03. Review status: criteria provided, single submitter. Criteria: GeneDx Variant Classification Process June 2021. Collection method: clinical testing. Allele origin: germline. Affected: yes.
Comment: Published functional studies demonstrate a damaging effect: abolished transferrin uptake, altered dynamin staining pattern, inhibited GTPase activity in vitro (PMID: 8335685, 29668686); In silico analysis supports that this missense variant has a deleterious effect on protein structure/function; Not observed at significant frequency in large population cohorts (gnomAD); This variant is associated with the following publications: (PMID: 10206643, 11553700, 19084268, 19515832, 24348990, 18079695, 29668686, 23383266, 31920647, 28667181, 31440721, 8335685)

Labcorp Genetics (formerly Invitae), Labcorp
Classification: Likely pathogenic for Developmental and epileptic encephalopathy, 31A. Last evaluated: 2019-02-04. Review status: criteria provided, single submitter. Criteria: Invitae Variant Classification Sherloc (09022015). Collection method: clinical testing. Allele origin: germline.
Comment: In summary, the currently available evidence indicates that the variant is pathogenic, but additional data are needed to prove that conclusively. Therefore, this variant has been classified as Likely Pathogenic. TThis variant has been reported to affect DNM1 protein function, also known as Dyn1 (PMID: 11553700, 19084268, 29668686). This variant has been observed to be de novo in an individual affected with DNM1-related encephalopathy (PMID: 28667181). ClinVar contains an entry for this variant (Variation ID: 520840). This variant is not present in population databases (ExAC no frequency). This sequence change replaces serine with asparagine at codon 45 of the DNM1 protein (p.Ser45Asn). The serine residue is highly conserved and there is a small physicochemical difference between serine and asparagine.

Ambry Genetics
Classification: Pathogenic for Inborn genetic diseases. Last evaluated: 2015-10-15. Review status: criteria provided, single submitter. Criteria: Ambry exome assertion method (8-5-2015). Collection method: clinical testing. Allele origin: germline. Affected: yes. Observed: 1 variant allele.

Literature cited by the submitters: PubMed 11553700 (cited by Labcorp Genetics (formerly Invitae), Labcorp and Ambry Genetics); PubMed 19084268 (cited by Labcorp Genetics (formerly Invitae), Labcorp); PubMed 29668686 (cited by Labcorp Genetics (formerly Invitae), Labcorp); PubMed 28667181 (cited by Labcorp Genetics (formerly Invitae), Labcorp); PubMed 23977156 (cited by Ambry Genetics); PubMed 11031245 (cited by Ambry Genetics); PubMed 10608808 (cited by Ambry Genetics); PubMed 8335685 (cited by Ambry Genetics).